The following is an entry in ClinVar:

NM_012463.4(ATP6V0A2):c.1007A>G (p.Gln336Arg)

Gene: ATP6V0A2 (ATPase H+ transporting V0 subunit a2; plus strand). Cytogenetic location: 12q24.31.
Variant type: single nucleotide variant.
Coding change: c.1007A>G on transcript NM_012463.4 (MANE Select); coding-DNA position 1007, A replaced by G.
Protein change: p.Gln336Arg; replaces glutamine 336 with arginine.
Molecular consequence: missense variant.
Genome position (GRCh38, 1-based): chr12:123,737,240, A>G. VCF-style: chr12-123737240-A-G. GRCh37 (hg19) VCF-style: chr12-124221787-A-G.
Other names: short protein forms Q336R.
Identifiers: ClinVar variation 2135255 (VCV002135255.4), dbSNP rs2541858440, ClinGen allele CA387154546.

ClinVar aggregate classification (germline): Uncertain significance (1 of 4 stars; one submission).

Conditions:
ALG9 congenital disorder of glycosylation (CDG1L). Also called: CDG Il; ALG9-CDG; CONGENITAL DISORDER OF GLYCOSYLATION, TYPE Il. Identifiers: Orphanet 79328, MedGen C2931006, MONDO:0012117, OMIM 608776.

Submission:

Labcorp Genetics (formerly Invitae), Labcorp
Classification: Uncertain significance for ALG9 congenital disorder of glycosylation. Last evaluated: 2022-05-07. Review status: criteria provided, single submitter. Criteria: Invitae Variant Classification Sherloc (09022015). Collection method: clinical testing. Allele origin: germline.
Comment: In summary, the available evidence is currently insufficient to determine the role of this variant in disease. Therefore, it has been classified as a Variant of Uncertain Significance. Algorithms developed to predict the effect of missense changes on protein structure and function (SIFT, PolyPhen-2, Align-GVGD) all suggest that this variant is likely to be tolerated. This variant has not been reported in the literature in individuals affected with ATP6V0A2-related conditions. This variant is not present in population databases (gnomAD no frequency). This sequence change replaces glutamine, which is neutral and polar, with arginine, which is basic and polar, at codon 336 of the ATP6V0A2 protein (p.Gln336Arg).